The following is an entry in ClinVar:

NM_005422.4(TECTA):c.1301G>T (p.Gly434Val)

Genes: TECTA (tectorin alpha; plus strand), TBCEL-TECTA (TBCEL-TECTA readthrough; plus strand). Cytogenetic location: 11q23.3.
Variant type: single nucleotide variant.
Coding change: c.1301G>T on transcript NM_005422.4 (MANE Select); coding-DNA position 1301, G replaced by T.
Protein change: p.Gly434Val; replaces glycine 434 with valine.
Molecular consequence: missense variant.
Genome position (GRCh38, 1-based): chr11:121,125,399, G>T. VCF-style: chr11-121125399-G-T. GRCh37 (hg19) VCF-style: chr11-120996108-G-T.
Other names: c.2258G>T, p.Gly753Val (NM_001378761.1); short protein forms G434V, G753V.
Identifiers: ClinVar variation 3250403 (VCV003250403.1), dbSNP rs2496916736.

ClinVar aggregate classification (germline): Likely pathogenic (1 of 4 stars; one submission).

Conditions:
Autosomal dominant nonsyndromic hearing loss 12. Also called: DEAFNESS, AUTOSOMAL DOMINANT 8. Identifiers: Orphanet 90635, MedGen C1832187, MONDO:0011102, OMIM 601543.

Submission:

Laboratory of Prof. Karen Avraham, Tel Aviv University
Classification: Likely pathogenic for Autosomal dominant nonsyndromic hearing loss 12. Last evaluated: 2024-06-09. Review status: criteria provided, single submitter. Criteria: ACMG Guidelines, 2015. Collection method: research. Allele origin: germline. Affected: yes. Observed: 1 variant allele.
Comment: A very rare variant predicted deleterious by most prediction programs. The variant is located in the TECTA ZA domain. Known AD mutations in this domain are known to be involved in high-tone HL (PMID: 31554319), the same type of HL as of this proband

DFNA12; high-tone HL